The following is an entry in ClinVar:

ClinVar aggregate classification (germline): Likely benign. Review status: criteria provided, multiple submitters, no conflicts (2 of 4 stars). 2 submissions from 2 submitters: Likely benign (2). Last evaluated 2026-07-07.

Conditions:
Rhabdoid tumor predisposition syndrome 2 (RTPS2). Identifiers: Orphanet 231108, Orphanet 69077, MedGen C2750074, MONDO:0013224, OMIM 613325.

Submissions (2):

Myriad Genetics, Inc.
Classification: Likely benign for Rhabdoid tumor predisposition syndrome 2. Last evaluated: 2026-07-07. Review status: criteria provided, single submitter. Criteria: Myriad Autosomal Dominant, Autosomal Recessive and X-Linked Classification Criteria (2023). Collection method: clinical testing. Allele origin: unknown.
Comment: This variant is considered likely benign. This variant is intronic and is not expected to impact mRNA splicing.

Labcorp Genetics (formerly Invitae), Labcorp
Classification: Likely benign for Rhabdoid tumor predisposition syndrome 2. Last evaluated: 2025-12-13. Review status: criteria provided, single submitter. Criteria: Invitae Variant Classification Sherloc (09022015). Collection method: clinical testing. Allele origin: germline.

NM_003072.5(SMARCA4):c.2274+9_2274+10delinsAA

Gene: SMARCA4 (SWI/SNF related BAF chromatin remodeling complex subunit ATPase 4; plus strand). Cytogenetic location: 19p13.2.
Variant type: Indel.
Coding change: c.2274+9_2274+10delinsAA on transcript NM_003072.5 (MANE Select); bases 9 to 10 of the intron after coding-DNA position 2274, GG replaced by AA.
Molecular consequence: intron variant.
Genome position (GRCh38, 1-based): chr19:11,010,540-11,010,541, GG replaced by AA. VCF-style: chr19-11010540-GG-AA. GRCh37 (hg19) VCF-style: chr19-11121216-GG-AA.
Other names: c.2274+9_2274+10delinsAA (NM_001128849.1, NM_001128849.3, NM_001128847.4 and 6 more transcripts).
Identifiers: ClinVar variation 470297 (VCV000470297.12), dbSNP rs1555773436, ClinGen allele CA658656786.
Genomic context (GRCh38, chr19:11,010,540, plus strand): 5'-AGTGGACAAGCAGTCAGCGCTTATGGTCAATGGTGTCCTCAAACAGTACCAGGTGAGGTA[GG>AA]GGGTGGGGAGGCCACCGCCACGTAGCTGCCTCGGTGCAGGTGTTCCCAGGTGGTGCGGGC-3'